The following is an entry in ClinVar:

ClinVar aggregate classification (germline): Uncertain significance. Review status: criteria provided, multiple submitters, no conflicts (2 of 4 stars). 3 submissions from 3 submitters: Uncertain significance (3). Last evaluated 2026-06-22.

Conditions:
VPS13B-related disorder. Also called: VPS13B-related condition.
Cohen syndrome (COH1). Also called: Cutis verticis gyrata, retinitis pigmentosa, and sensorineural deafness; PEPPER SYNDROME. Identifiers: Orphanet 193, MedGen C0265223, MONDO:0008999, OMIM 216550.

Allele frequency attached by ClinVar (database versions not stated): gnomAD exomes below 0.00001; TOPMed 0.00001.
gnomAD v4.1: 3 of 1,613,770 alleles (0.00019%); highest among the groups gnomAD compares: East Asian, 0.0022%; no homozygotes.

Submissions (3):

PreventionGenetics, part of Exact Sciences
Classification: Uncertain significance for VPS13B-related condition. Last evaluated: 2026-06-22. Review status: criteria provided, single submitter. Criteria: ACMG Guidelines, 2015. Collection method: clinical testing. Allele origin: germline.
Comment: The VPS13B c.4535A>G variant is predicted to result in the amino acid substitution p.His1512Arg. To our knowledge, this variant has not been reported in the literature or in a large population database, indicating this variant is rare. At this time, the clinical significance of this variant is uncertain due to the absence of conclusive functional and genetic evidence.

Labcorp Genetics (formerly Invitae), Labcorp
Classification: Uncertain significance for Cohen syndrome. Last evaluated: 2022-05-12. Review status: criteria provided, single submitter. Criteria: Invitae Variant Classification Sherloc (09022015). Collection method: clinical testing. Allele origin: germline.
Comment: This sequence change replaces histidine, which is basic and polar, with arginine, which is basic and polar, at codon 1537 of the VPS13B protein (p.His1537Arg). This variant is not present in population databases (gnomAD no frequency). This variant has not been reported in the literature in individuals affected with VPS13B-related conditions. ClinVar contains an entry for this variant (Variation ID: 1163489). Algorithms developed to predict the effect of missense changes on protein structure and function are either unavailable or do not agree on the potential impact of this missense change (SIFT: "Not Available"; PolyPhen-2: "Possibly Damaging"; Align-GVGD: "Not Available"). In summary, the available evidence is currently insufficient to determine the role of this variant in disease. Therefore, it has been classified as a Variant of Uncertain Significance.

Mayo Clinic Laboratories, Mayo Clinic
Classification: Uncertain significance. Last evaluated: 2019-12-19. Review status: criteria provided, single submitter. Criteria: ACMG Guidelines, 2015. Collection method: clinical testing. Allele origin: germline. Observed: 1 variant allele.

NM_152564.5(VPS13B):c.4535A>G (p.His1512Arg)

Gene: VPS13B (vacuolar protein sorting 13 homolog B; plus strand). Cytogenetic location: 8q22.2.
Variant type: single nucleotide variant.
Coding change: c.4535A>G on transcript NM_152564.5 (MANE Select); coding-DNA position 4535, A replaced by G.
Protein change: p.His1512Arg; replaces histidine 1512 with arginine.
Molecular consequence: missense variant.
Genome position (GRCh38, 1-based): chr8:99,511,414, A>G. VCF-style: chr8-99511414-A-G. GRCh37 (hg19) VCF-style: chr8-100523642-A-G.
Other names: c.4610A>G, p.His1537Arg (NM_017890.5); c.4535A>G (NM_152564.4); short protein forms H1512R, H1537R.
Identifiers: ClinVar variation 1163489 (VCV001163489.7), dbSNP rs1821780332, ClinGen allele CA371871847.